The following is an entry in ClinVar:

ClinVar aggregate classification (germline): Uncertain significance (1 of 4 stars; one submission).

gnomAD v4.1: 7 of 1,612,688 alleles (0.00043%); highest among the groups gnomAD compares: Non-Finnish European, 0.00051%; no homozygotes.

Submission:

Labcorp Genetics (formerly Invitae), Labcorp
Classification: Uncertain significance. Last evaluated: 2024-04-08. Review status: criteria provided, single submitter. Criteria: Invitae Variant Classification Sherloc (09022015). Collection method: clinical testing. Allele origin: germline.
Comment: This sequence change replaces glutamine, which is neutral and polar, with glutamic acid, which is acidic and polar, at codon 1641 of the NALCN protein (p.Gln1641Glu). This variant is not present in population databases (gnomAD no frequency). This variant has not been reported in the literature in individuals affected with NALCN-related conditions. Advanced modeling of protein sequence and biophysical properties (such as structural, functional, and spatial information, amino acid conservation, physicochemical variation, residue mobility, and thermodynamic stability) performed at Invitae indicates that this missense variant is not expected to disrupt NALCN protein function with a negative predictive value of 80%. In summary, the available evidence is currently insufficient to determine the role of this variant in disease. Therefore, it has been classified as a Variant of Uncertain Significance.

NM_052867.4(NALCN):c.4921C>G (p.Gln1641Glu)

Genes: NALCN (sodium leak channel, non-selective; minus strand), NALCN-AS1 (NALCN antisense RNA 1; plus strand). Cytogenetic location: 13q32.3.
Variant type: single nucleotide variant.
Coding change: c.4921C>G on transcript NM_052867.4 (MANE Select); coding-DNA position 4921, C replaced by G.
Protein change: p.Gln1641Glu; replaces glutamine 1641 with glutamic acid.
Molecular consequence: missense variant. On other transcripts: non-coding transcript variant (1).
Genome position (GRCh38, 1-based): chr13:101,058,041, G>C on the plus strand (C>G on the coding strand, the complement: NALCN is on the minus strand). VCF-style: chr13-101058041-G-C. GRCh37 (hg19) VCF-style: chr13-101710393-G-C.
Other names: c.5008C>G, p.Gln1670Glu (NM_001350748.2); c.4921C>G, p.Gln1641Glu (NM_001350749.2); c.4834C>G, p.Gln1612Glu (NM_001350750.2, NM_001350751.2); short protein forms Q1612E, Q1641E, Q1670E.
Identifiers: ClinVar variation 3626554 (VCV003626554.2).